The following is an entry in ClinVar:

NM_001379270.1(CNGA1):c.1286G>A (p.Arg429Lys)

Genes: CNGA1 (cyclic nucleotide gated channel subunit alpha 1; minus strand), LOC101927157 (uncharacterized LOC101927157; plus strand). Cytogenetic location: 4p12.
Variant type: single nucleotide variant.
Coding change: c.1286G>A on transcript NM_001379270.1 (MANE Select); coding-DNA position 1286, G replaced by A.
Protein change: p.Arg429Lys; replaces arginine 429 with lysine.
Molecular consequence: missense variant.
Genome position (GRCh38, 1-based): chr4:47,937,196, C>T on the plus strand (G>A on the coding strand, the complement: CNGA1 is on the minus strand). VCF-style: chr4-47937196-C-T. GRCh37 (hg19) VCF-style: chr4-47939213-C-T.
Other names: c.1286G>A, p.Arg429Lys (NM_000087.5, NM_001142564.2); short protein forms R429K.
Identifiers: ClinVar variation 965782 (VCV000965782.9), dbSNP rs751394076, ClinGen allele CA2911103.

ClinVar aggregate classification (germline): Uncertain significance (1 of 4 stars; one submission).

Allele frequency attached by ClinVar (database versions not stated): gnomAD exomes below 0.00001; TOPMed below 0.00001; ExAC 0.00001.
gnomAD v4.1: 2 of 1,614,160 alleles (0.00012%); highest among the groups gnomAD compares: Middle Eastern, 0.017%; no homozygotes.

Submission:

Labcorp Genetics (formerly Invitae), Labcorp
Classification: Uncertain significance. Last evaluated: 2020-01-21. Review status: criteria provided, single submitter. Criteria: Invitae Variant Classification Sherloc (09022015). Collection method: clinical testing. Allele origin: germline.
Comment: In summary, the available evidence is currently insufficient to determine the role of this variant in disease. Therefore, it has been classified as a Variant of Uncertain Significance. Algorithms developed to predict the effect of missense changes on protein structure and function (SIFT, PolyPhen-2, Align-GVGD) all suggest that this variant is likely to be disruptive, but these predictions have not been confirmed by published functional studies and their clinical significance is uncertain. This variant has not been reported in the literature in individuals with CNGA1-related conditions. This variant is present in population databases (rs751394076, ExAC 0.001%). This sequence change replaces arginine with lysine at codon 433 of the CNGA1 protein (p.Arg433Lys). The arginine residue is highly conserved and there is a small physicochemical difference between arginine and lysine.